The following is an entry in ClinVar:

NM_005343.4(HRAS):c.59C>T (p.Thr20Ile)

Genes: HRAS (HRas proto-oncogene, GTPase; minus strand), LRRC56 (leucine rich repeat containing 56; plus strand). Cytogenetic location: 11p15.5.
Variant type: single nucleotide variant.
Coding change: c.59C>T on transcript NM_005343.4 (MANE Select); coding-DNA position 59, C replaced by T.
Protein change: p.Thr20Ile; replaces threonine 20 with isoleucine.
Molecular consequence: missense variant. On other transcripts: 5 prime UTR variant (1).
Genome position (GRCh38, 1-based): chr11:534,264, G>A on the plus strand (C>T on the coding strand, the complement: HRAS is on the minus strand). VCF-style: chr11-534264-G-A. GRCh37 (hg19) VCF-style: chr11-534264-G-A.
Other names: c.59C>T, p.Thr20Ile (NM_001130442.3, NM_176795.5); c.-261C>T (NM_001318054.2); short protein forms T20I.
Identifiers: ClinVar variation 2692872 (VCV002692872.3), dbSNP rs1851317850, ClinGen allele CA378925822.
Genomic context (GRCh38, chr11:534,264, plus strand): 5'-AGGCTCACCTCTATAGTGGGGTCGTATTCGTCCACAAAATGGTTCTGGATCAGCTGGATG[G>A]TCAGCGCACTCTTGCCCACACCGCCGGCGCCCACCACCACCAGCTTATATTCCGTCATCG-3'
Protein context (NP_005334.1, residues 10-30): GAGGVGKSAL[Thr20Ile]IQLIQNHFVD

ClinVar aggregate classification (germline): Uncertain significance (1 of 4 stars; one submission).

Conditions:
Costello syndrome (CSTLO). Also called: FACIOCUTANEOSKELETAL SYNDROME; HRAS-Related Costello Syndrome; FCS SYNDROME. Identifiers: Orphanet 3071, MedGen C0587248, MONDO:0009026, OMIM 218040.

Submission:

Labcorp Genetics (formerly Invitae), Labcorp
Classification: Uncertain significance for Costello syndrome. Last evaluated: 2023-11-02. Review status: criteria provided, single submitter. Criteria: Invitae Variant Classification Sherloc (09022015). Collection method: clinical testing. Allele origin: germline.
Comment: This sequence change replaces threonine, which is neutral and polar, with isoleucine, which is neutral and non-polar, at codon 20 of the HRAS protein (p.Thr20Ile). This variant is not present in population databases (gnomAD no frequency). This variant has not been reported in the literature in individuals affected with HRAS-related conditions. An algorithm developed to predict the effect of missense changes on protein structure and function (PolyPhen-2) suggests that this variant is likely to be disruptive. In summary, the available evidence is currently insufficient to determine the role of this variant in disease. Therefore, it has been classified as a Variant of Uncertain Significance.